The following is an entry in ClinVar:

ClinVar aggregate classification (germline): Uncertain significance. Review status: criteria provided, multiple submitters, no conflicts (2 of 4 stars). 2 submissions from 2 submitters: Uncertain significance (2). Last evaluated 2023-10-16.

Conditions:
Hereditary cancer-predisposing syndrome. Also called: Neoplastic Syndromes, Hereditary; Tumor predisposition; Hereditary Cancer Syndrome; Hereditary neoplastic syndrome. Identifiers: Orphanet 140162, MedGen C0027672, MeSH D009386, MONDO:0015356.
Oligodontia-cancer predisposition syndrome. Also called: TOOTH AGENESIS-COLORECTAL CANCER SYNDROME. Identifiers: Orphanet 300576, MedGen C1837750, MONDO:0012075, OMIM 608615. Disease mechanism: loss of function.

Submissions (2):

Ambry Genetics
Classification: Uncertain significance for Hereditary cancer-predisposing syndrome. Last evaluated: 2023-10-16. Review status: criteria provided, single submitter. Criteria: Ambry Variant Classification Scheme 2023. Collection method: clinical testing. Allele origin: germline.
Comment: The p.E19K variant (also known as c.55G>A), located in coding exon 1 of the AXIN2 gene, results from a G to A substitution at nucleotide position 55. The glutamic acid at codon 19 is replaced by lysine, an amino acid with similar properties. This amino acid position is conserved. In addition, this alteration is predicted to be deleterious by in silico analysis. Since supporting evidence is limited at this time, the clinical significance of this alteration remains unclear.

Labcorp Genetics (formerly Invitae), Labcorp
Classification: Uncertain significance for Oligodontia-cancer predisposition syndrome. Last evaluated: 2022-12-05. Review status: criteria provided, single submitter. Criteria: Invitae Variant Classification Sherloc (09022015). Collection method: clinical testing. Allele origin: germline.
Comment: This sequence change replaces glutamic acid, which is acidic and polar, with lysine, which is basic and polar, at codon 19 of the AXIN2 protein (p.Glu19Lys). This variant is not present in population databases (gnomAD no frequency). This variant has not been reported in the literature in individuals affected with AXIN2-related conditions. Advanced modeling of protein sequence and biophysical properties (such as structural, functional, and spatial information, amino acid conservation, physicochemical variation, residue mobility, and thermodynamic stability) performed at Invitae indicates that this missense variant is expected to disrupt AXIN2 protein function. In summary, the available evidence is currently insufficient to determine the role of this variant in disease. Therefore, it has been classified as a Variant of Uncertain Significance.

NM_004655.4(AXIN2):c.55G>A (p.Glu19Lys)

Gene: AXIN2 (axin 2; minus strand). Cytogenetic location: 17q24.1.
Variant type: single nucleotide variant.
Coding change: c.55G>A on transcript NM_004655.4 (MANE Select); coding-DNA position 55, G replaced by A.
Protein change: p.Glu19Lys; replaces glutamic acid 19 with lysine.
Molecular consequence: missense variant.
Genome position (GRCh38, 1-based): chr17:65,558,566, C>T on the plus strand (G>A on the coding strand, the complement: AXIN2 is on the minus strand). VCF-style: chr17-65558566-C-T. GRCh37 (hg19) VCF-style: chr17-63554684-C-T.
Other names: c.55G>A, p.Glu19Lys (NM_001363813.1); short protein forms E19K.
Identifiers: ClinVar variation 2818834 (VCV002818834.4), dbSNP rs2144591880, ClinGen allele CA400682341.